The following is an entry in ClinVar:

ClinVar aggregate classification (germline): Uncertain significance. Review status: criteria provided, multiple submitters, no conflicts (2 of 4 stars). 2 submissions from 2 submitters: Uncertain significance (2). Last evaluated 2026-07-06.

Conditions:
Hereditary cancer-predisposing syndrome. Also called: Hereditary Cancer Syndrome; Neoplastic Syndromes, Hereditary; Hereditary neoplastic syndrome; Tumor predisposition. Identifiers: Orphanet 140162, MedGen C0027672, MeSH D009386, MONDO:0015356.
Pheochromocytoma/paraganglioma syndrome 4. Also called: PARAGANGLIOMA, FAMILIAL MALIGNANT; PARAGANGLIOMAS, HEREDITARY EXTRAADRENAL; PHEOCHROMOCYTOMA, FAMILIAL EXTRAADRENAL; Paragangliomas 4; SDHB-Related Hereditary Paraganglioma-Pheochromocytoma Syndrome (Paragangliomas 4); SDHB-Related Hereditary Paraganglioma-Pheochromocytoma Syndrome. Identifiers: Orphanet 29072, MedGen C1861848, MONDO:0007273, OMIM 115310.
Gastrointestinal stromal tumor. Also called: Gastrointestinal stromal tumor, somatic; Gastrointestinal stroma tumor. Identifiers: Orphanet 44890, MedGen C0238198, MeSH D046152, MONDO:0011719, OMIM 606764, HP:0100723.
Pheochromocytoma. Also called: MAX-Related Hereditary Paraganglioma-Pheochromocytoma Syndrome. Identifiers: Orphanet 29072, MedGen C0031511, MONDO:0008233, OMIM 171300, HP:0002666.

Submissions (2):

Ambry Genetics
Classification: Uncertain significance for Hereditary cancer-predisposing syndrome. Last evaluated: 2026-07-06. Review status: criteria provided, single submitter. Criteria: Ambry Variant Classification Scheme 2023. Collection method: clinical testing. Allele origin: germline.
Comment: The p.L188I variant (also known as c.562C>A), located in coding exon 6 of the SDHB gene, results from a C to A substitution at nucleotide position 562. The leucine at codon 188 is replaced by isoleucine, an amino acid with highly similar properties. This amino acid position is conserved. In addition, this alteration is predicted to be deleterious by in silico analysis. Based on the available evidence, the clinical significance of this variant remains unclear.

Labcorp Genetics (formerly Invitae), Labcorp
Classification: Uncertain significance for Gastrointestinal stromal tumor; Pheochromocytoma/paraganglioma syndrome 4; Pheochromocytoma. Last evaluated: 2023-06-20. Review status: criteria provided, single submitter. Criteria: Invitae Variant Classification Sherloc (09022015). Collection method: clinical testing. Allele origin: germline.
Comment: This sequence change replaces leucine, which is neutral and non-polar, with isoleucine, which is neutral and non-polar, at codon 188 of the SDHB protein (p.Leu188Ile). This variant is not present in population databases (gnomAD no frequency). This variant has not been reported in the literature in individuals affected with SDHB-related conditions. ClinVar contains an entry for this variant (Variation ID: 1365750). Advanced modeling of protein sequence and biophysical properties (such as structural, functional, and spatial information, amino acid conservation, physicochemical variation, residue mobility, and thermodynamic stability) performed at Invitae indicates that this missense variant is expected to disrupt SDHB protein function. In summary, the available evidence is currently insufficient to determine the role of this variant in disease. Therefore, it has been classified as a Variant of Uncertain Significance.

NM_003000.3(SDHB):c.562C>A (p.Leu188Ile)

Gene: SDHB (succinate dehydrogenase complex iron sulfur subunit B; minus strand). Cytogenetic location: 1p36.13.
Variant type: single nucleotide variant.
Coding change: c.562C>A on transcript NM_003000.3 (MANE Select); coding-DNA position 562, C replaced by A.
Protein change: p.Leu188Ile; replaces leucine 188 with isoleucine.
Molecular consequence: missense variant.
Genome position (GRCh38, 1-based): chr1:17,024,053, G>T on the plus strand (C>A on the coding strand, the complement: SDHB is on the minus strand). VCF-style: chr1-17024053-G-T. GRCh37 (hg19) VCF-style: chr1-17350548-G-T.
Other names: c.562C>A (NM_003000.2); short protein forms L188I.
Identifiers: ClinVar variation 1365750 (VCV001365750.9), dbSNP rs1392463987, ClinGen allele CA338271358.